The following is an entry in ClinVar:

ClinVar aggregate classification (germline): Conflicting classifications of pathogenicity. Review status: criteria provided, conflicting classifications (1 of 4 stars). 5 submissions from 5 submitters: Uncertain significance (1); Benign (1); Likely benign (3). Last evaluated 2026-07-09.

Conditions:
Hereditary cancer-predisposing syndrome. Also called: Hereditary Cancer Syndrome; Hereditary neoplastic syndrome; Neoplastic Syndromes, Hereditary; Tumor predisposition. Identifiers: Orphanet 140162, MedGen C0027672, MeSH D009386, MONDO:0015356.
Intellectual disability, autosomal dominant 16 (CSS4). Also called: COFFIN-SIRIS SYNDROME 4. Identifiers: Orphanet 1465, MedGen C3553249, MONDO:0013821, OMIM 614609.
Rhabdoid tumor predisposition syndrome 2 (RTPS2). Identifiers: Orphanet 231108, Orphanet 69077, MedGen C2750074, MONDO:0013224, OMIM 613325.

Allele frequency attached by ClinVar (database versions not stated): gnomAD 0.00001 and below 0.00001; TOPMed below 0.00001; gnomAD exomes 0.00004 and 0.00002; 1000 Genomes Project 30x 0.00016; ExAC 0.00017; 1000 Genomes Project 0.00020.
gnomAD v4.1: 28 of 1,541,124 alleles (0.0018%); highest among the groups gnomAD compares: Middle Eastern, 0.033%; no homozygotes.

Submissions (5):

Myriad Genetics, Inc.
Classification: Benign for Rhabdoid tumor predisposition syndrome 2. Last evaluated: 2026-07-09. Review status: criteria provided, single submitter. Criteria: Myriad Autosomal Dominant, Autosomal Recessive and X-Linked Classification Criteria (2023). Collection method: clinical testing. Allele origin: unknown.
Comment: This variant is considered benign. This variant is a silent/synonymous amino acid change and it is not expected to impact splicing.

Labcorp Genetics (formerly Invitae), Labcorp
Classification: Likely benign for Rhabdoid tumor predisposition syndrome 2. Last evaluated: 2026-01-08. Review status: criteria provided, single submitter. Criteria: Invitae Variant Classification Sherloc (09022015). Collection method: clinical testing. Allele origin: germline.

Genome-Nilou Lab
Classification: Likely benign for Intellectual disability, autosomal dominant 16. Last evaluated: 2021-07-15. Review status: criteria provided, single submitter. Criteria: ACMG Guidelines, 2015. Collection method: clinical testing. Allele origin: germline. Affected: no.

CeGaT Center for Human Genetics Tuebingen
Classification: Uncertain significance. Last evaluated: 2019-06-01. Review status: criteria provided, single submitter. Criteria: CeGaT Center For Human Genetics Tuebingen Variant Classification Criteria Version 2. Collection method: clinical testing. Allele origin: germline. Affected: yes. Observed: 1 variant allele.

Ambry Genetics
Classification: Likely benign for Hereditary cancer-predisposing syndrome. Last evaluated: 2017-09-21. Review status: criteria provided, single submitter. Criteria: Ambry Variant Classification Scheme 2023. Collection method: clinical testing. Allele origin: germline.

NM_003072.5(SMARCA4):c.696T>C (p.Pro232=)

Gene: SMARCA4 (SWI/SNF related BAF chromatin remodeling complex subunit ATPase 4; plus strand). Cytogenetic location: 19p13.2.
Variant type: single nucleotide variant.
Coding change: c.696T>C on transcript NM_003072.5 (MANE Select); coding-DNA position 696, T replaced by C.
Protein change: p.Pro232=; no amino-acid change (proline 232 retained).
Molecular consequence: synonymous variant. On other transcripts: non-coding transcript variant (1).
Genome position (GRCh38, 1-based): chr19:10,986,529, T>C. VCF-style: chr19-10986529-T-C. GRCh37 (hg19) VCF-style: chr19-11097205-T-C.
Other names: c.696T>C, p.Pro232= (NM_001128844.3, NM_001128845.2, NM_001128846.2 and 5 more transcripts).
Identifiers: ClinVar variation 415106 (VCV000415106.57), dbSNP rs573767517, ClinGen allele CA9203546.